The following is an entry in ClinVar:

NM_002875.5(RAD51):c.122T>G (p.Leu41Trp)

Gene: RAD51 (RAD51 recombinase; plus strand). Cytogenetic location: 15q15.1.
Variant type: single nucleotide variant.
Coding change: c.122T>G on transcript NM_002875.5 (MANE Select); coding-DNA position 122, T replaced by G.
Protein change: p.Leu41Trp; replaces leucine 41 with tryptophan.
Molecular consequence: missense variant.
Genome position (GRCh38, 1-based): chr15:40,701,098, T>G. VCF-style: chr15-40701098-T-G. GRCh37 (hg19) VCF-style: chr15-40993296-T-G.
Other names: c.122T>G, p.Leu41Trp (NM_001164269.2, NM_001164270.2, NM_133487.4); short protein forms L41W.
Identifiers: ClinVar variation 2502043 (VCV002502043.2), dbSNP rs2504414670, ClinGen allele CA391745574.

ClinVar aggregate classification (germline): Uncertain significance. Review status: criteria provided, multiple submitters, no conflicts (2 of 4 stars). 2 submissions from 2 submitters: Uncertain significance (2). Last evaluated 2024-03-13.

Conditions:
Inborn genetic diseases. Identifiers: MedGen C0950123, MeSH D030342.

Submissions (2):

Ambry Genetics
Classification: Uncertain significance for Inborn genetic diseases. Last evaluated: 2024-03-13. Review status: criteria provided, single submitter. Criteria: Ambry Variant Classification Scheme 2023. Collection method: clinical testing. Allele origin: germline.
Comment: The p.L41W variant (also known as c.122T>G), located in coding exon 2 of the RAD51 gene, results from a T to G substitution at nucleotide position 122. The leucine at codon 41 is replaced by tryptophan, an amino acid with similar properties. This amino acid position is conserved. In addition, this alteration is predicted to be deleterious by in silico analysis. Based on the available evidence, the clinical significance of this alteration remains unclear.

GeneDx
Classification: Uncertain significance. Last evaluated: 2022-11-09. Review status: criteria provided, single submitter. Criteria: GeneDx Variant Classification Process June 2021. Collection method: clinical testing. Allele origin: germline. Affected: yes.
Comment: Not observed at significant frequency in large population cohorts (gnomAD); In silico analysis supports that this missense variant has a deleterious effect on protein structure/function; Has not been previously published as pathogenic or benign to our knowledge